The following is an entry in ClinVar:

ClinVar aggregate classification (germline): Uncertain significance. Review status: criteria provided, multiple submitters, no conflicts (2 of 4 stars). 2 submissions from 2 submitters: Uncertain significance (2). Last evaluated 2022-06-27.

Conditions:
Netherton syndrome (NETH). Also called: ERYTHRODERMA, ICHTHYOSIFORM, WITH HYPOTRICHOSIS AND HYPER-IgE; COMEL-NETHERTON SYNDROME; NETHERTON DISEASE. Identifiers: Orphanet 634, MedGen C5574950, MONDO:0009735, OMIM 256500.

Allele frequency attached by ClinVar (database versions not stated): ExAC 0.00002; gnomAD 0.00002; gnomAD exomes 0.00002 and 0.00006; TOPMed 0.00005.
gnomAD v4.1: 41 of 1,613,966 alleles (0.0025%); highest among the groups gnomAD compares: Middle Eastern, 0.082%; no homozygotes.

Submissions (2):

Labcorp Genetics (formerly Invitae), Labcorp
Classification: Uncertain significance for Ichthyosis linearis circumflexa. Last evaluated: 2022-06-27. Review status: criteria provided, single submitter. Criteria: Invitae Variant Classification Sherloc (09022015). Collection method: clinical testing. Allele origin: germline.
Comment: This sequence change replaces arginine, which is basic and polar, with glutamine, which is neutral and polar, at codon 723 of the SPINK5 protein (p.Arg723Gln). This variant is present in population databases (rs755881402, gnomAD 0.03%). This variant has not been reported in the literature in individuals affected with SPINK5-related conditions. ClinVar contains an entry for this variant (Variation ID: 661318). Algorithms developed to predict the effect of missense changes on protein structure and function are either unavailable or do not agree on the potential impact of this missense change (SIFT: "Deleterious"; PolyPhen-2: "Probably Damaging"; Align-GVGD: "Class C0"). In summary, the available evidence is currently insufficient to determine the role of this variant in disease. Therefore, it has been classified as a Variant of Uncertain Significance.

Baylor Genetics
Classification: Uncertain significance for Netherton syndrome. Last evaluated: 2018-07-12. Review status: criteria provided, single submitter. Criteria: ACMG Guidelines, 2015. Collection method: clinical testing. Allele origin: unknown. Affected: yes.
Comment: This variant was determined to be of uncertain significance according to ACMG Guidelines, 2015 [PMID:25741868].

NM_006846.4(SPINK5):c.2168G>A (p.Arg723Gln)

Gene: SPINK5 (serine peptidase inhibitor Kazal type 5; plus strand). Cytogenetic location: 5q32.
Variant type: single nucleotide variant.
Coding change: c.2168G>A on transcript NM_006846.4 (MANE Select); coding-DNA position 2168, G replaced by A.
Protein change: p.Arg723Gln; replaces arginine 723 with glutamine.
Molecular consequence: missense variant.
Genome position (GRCh38, 1-based): chr5:148,118,492, G>A. VCF-style: chr5-148118492-G-A. GRCh37 (hg19) VCF-style: chr5-147498055-G-A.
Other names: c.2168G>A, p.Arg723Gln (NM_001127698.2, NM_001127699.2); short protein forms R723Q.
Identifiers: ClinVar variation 661318 (VCV000661318.5), dbSNP rs755881402, ClinGen allele CA3495885.